The following is an entry in ClinVar:

NM_002382.5(MAX):c.200C>A (p.Ala67Asp)

Gene: MAX (MYC associated transcriptional regulator X; minus strand). Cytogenetic location: 14q23.3.
Variant type: single nucleotide variant.
Coding change: c.200C>A on transcript NM_002382.5 (MANE Select); coding-DNA position 200, C replaced by A.
Protein change: p.Ala67Asp; replaces alanine 67 with aspartic acid.
Molecular consequence: missense variant. On other transcripts: 5 prime UTR variant (1), intron variant (2).
Genome position (GRCh38, 1-based): chr14:65,078,008, G>T on the plus strand (C>A on the coding strand, the complement: MAX is on the minus strand). VCF-style: chr14-65078008-G-T. GRCh37 (hg19) VCF-style: chr14-65544726-G-T.
Other names: c.-75C>A (NM_001320415.2, NM_001407105.1, NM_001407106.1 and 1 more transcripts); c.200C>A, p.Ala67Asp (NM_001407094.1, NM_001407096.1, NM_001407097.1 and 3 more transcripts); c.173C>A, p.Ala58Asp (NM_001407095.1, NM_001407099.1, NM_001407100.1 and 6 more transcripts); c.92C>A, p.Ala31Asp (NM_001407098.1); c.-168C>A (NM_001407111.1, NM_001407112.1); c.144+15700C>A (NM_001271069.2); c.171+15700C>A (NM_197957.4); c.200C>A (NM_002382.4); short protein forms A67D, A58D, A31D.
Identifiers: ClinVar variation 185646 (VCV000185646.10), dbSNP rs786202340, ClinGen allele CA192517.

ClinVar aggregate classification (germline): Pathogenic/Likely pathogenic. Review status: criteria provided, multiple submitters, no conflicts (2 of 4 stars). 4 submissions from 4 submitters: Pathogenic (2); Likely pathogenic (1). 1 of the submissions does not count toward it. Last evaluated 2026-01-27.

Conditions:
Hereditary pheochromocytoma and paraganglioma. Also called: Hereditary Paraganglioma-Pheochromocytoma Syndromes; Hereditary pheochromocytoma-paraganglioma; Hereditary paragangliomas and pheochromocytomas. Identifiers: Orphanet 29072, MedGen C4274332, MONDO:0017366.
Hereditary cancer-predisposing syndrome. Also called: Neoplastic Syndromes, Hereditary; Hereditary Cancer Syndrome; Tumor predisposition; Hereditary neoplastic syndrome. Identifiers: Orphanet 140162, MedGen C0027672, MeSH D009386, MONDO:0015356.
MULTIPLE ENDOCRINE NEOPLASIA, TYPE V (MEN5). Identifiers: MedGen CN382240, OMIM 621678.

Submissions (4):

Labcorp Genetics (formerly Invitae), Labcorp
Classification: Pathogenic for Hereditary pheochromocytoma and paraganglioma. Last evaluated: 2026-01-27. Review status: criteria provided, single submitter. Criteria: Invitae Variant Classification Sherloc (09022015). Collection method: clinical testing. Allele origin: germline.
Comment: This sequence change replaces alanine, which is neutral and non-polar, with aspartic acid, which is acidic and polar, at codon 67 of the MAX protein (p.Ala67Asp). This variant is not present in population databases (gnomAD no frequency). This missense change has been observed in individual(s) with pheochromocytoma (PMID: 33367756). It has also been observed to segregate with disease in related individuals. ClinVar contains an entry for this variant (Variation ID: 185646). An algorithm developed to predict the effect of missense changes on protein structure and function (PolyPhen-2) suggests that this variant is likely to be disruptive. For these reasons, this variant has been classified as Pathogenic.

Molecular Pathology, Peter Maccallum Cancer Centre
Classification: Likely pathogenic for Hereditary pheochromocytoma and paraganglioma. Last evaluated: 2025-06-03. Review status: criteria provided, single submitter. Criteria: ACMG Guidelines, 2015. Collection method: clinical testing. Allele origin: germline. Inheritance: Autosomal dominant inheritance.

Ambry Genetics
Classification: Pathogenic for Hereditary cancer-predisposing syndrome. Last evaluated: 2022-03-29. Review status: criteria provided, single submitter. Criteria: Ambry Variant Classification Scheme 2023. Collection method: clinical testing. Allele origin: germline.
Comment: The p.A67D pathogenic mutation (also known as c.200C>A), located in coding exon 4 of the MAX gene, results from a C to A substitution at nucleotide position 200. The alanine at codon 67 is replaced by aspartic acid, an amino acid with dissimilar properties. This alteration has been detected in individuals diagnosed with pheochromocytoma, and has been shown to segregate with affected individuals in an extended family with numerous pheochromocytoma diagnoses (Seabrook AJ et al. J Clin Endocrinol Metab. 2021 03;106:1163-1182; Ambry internal data). This variant is considered to be rare based on population cohorts in the Genome Aggregation Database (gnomAD). This amino acid position is highly conserved in available vertebrate species. In addition, this alteration is predicted to be deleterious by in silico analysis. Based on the supporting evidence, this alteration is interpreted as a disease-causing mutation.

OMIM
Classification: Pathogenic for MULTIPLE ENDOCRINE NEOPLASIA, TYPE V. Last evaluated: 2026-08-26. Review status: no assertion criteria provided. Collection method: literature only. Allele origin: germline. Not counted in ClinVar's aggregate classification.

Literature cited by the submitters: PubMed 33367756 (cited by 3 submitters).